The following is an entry in ClinVar:

NM_001378615.1(CC2D2A):c.2404T>C (p.Ser802Pro)

Genes: CC2D2A (coiled-coil and C2 domain containing 2A; plus strand), FBXL5 (F-box and leucine rich repeat protein 5; minus strand). Cytogenetic location: 4p15.32.
Variant type: single nucleotide variant.
Coding change: c.2404T>C on transcript NM_001378615.1 (MANE Select); coding-DNA position 2404, T replaced by C.
Protein change: p.Ser802Pro; replaces serine 802 with proline.
Molecular consequence: missense variant.
Genome position (GRCh38, 1-based): chr4:15,553,223, T>C. VCF-style: chr4-15553223-T-C. GRCh37 (hg19) VCF-style: chr4-15554846-T-C.
Other names: c.2404T>C, p.Ser802Pro (NM_001080522.2); c.2257T>C, p.Ser753Pro (NM_001378617.1); short protein forms S753P, S802P.
Identifiers: ClinVar variation 1485052 (VCV001485052.5), dbSNP rs1194338259, ClinGen allele CA356419053.
Genomic context (GRCh38, chr4:15,553,223, plus strand): 5'-CCCTTCTCATTTGAAGCTGATGGCAGTAACCAGCTGACTCTGATGACCTCAGGGAAAGTG[T>C]CTCATAGTGTGGCATGGGCCATTGGAGAAAACGGGATACCTTTAATTCCTCCATTGTCAC-3'
Protein context (NP_001365544.1, residues 792-812): QLTLMTSGKV[Ser802Pro]HSVAWAIGEN

ClinVar aggregate classification (germline): Uncertain significance (1 of 4 stars; one submission).

Conditions:
Joubert syndrome. Also called: JOUBERT-BOLTSHAUSER SYNDROME; Familial aplasia of the vermis. Identifiers: Orphanet 475, MedGen C5979921, MONDO:0018772.
Meckel-Gruber syndrome. Also called: DYSENCEPHALIA SPLANCHNOCYSTICA; GRUBER SYNDROME; Dysencephalia splachnocystica. Identifiers: Orphanet 564, MedGen C0265215, MONDO:0018921.

Allele frequency attached by ClinVar (database versions not stated): gnomAD exomes below 0.00001 and 0.00001; gnomAD 0.00001; TOPMed 0.00001.
gnomAD v4.1: 15 of 1,612,766 alleles (0.00093%); highest among the groups gnomAD compares: Non-Finnish European, 0.0013%; no homozygotes.

Submission:

Labcorp Genetics (formerly Invitae), Labcorp
Classification: Uncertain significance for Joubert syndrome; Meckel-Gruber syndrome. Last evaluated: 2022-06-13. Review status: criteria provided, single submitter. Criteria: Invitae Variant Classification Sherloc (09022015). Collection method: clinical testing. Allele origin: germline.
Comment: This sequence change replaces serine, which is neutral and polar, with proline, which is neutral and non-polar, at codon 802 of the CC2D2A protein (p.Ser802Pro). This variant is present in population databases (no rsID available, gnomAD 0.002%). This variant has not been reported in the literature in individuals affected with CC2D2A-related conditions. Advanced modeling of protein sequence and biophysical properties (such as structural, functional, and spatial information, amino acid conservation, physicochemical variation, residue mobility, and thermodynamic stability) performed at Invitae indicates that this missense variant is expected to disrupt CC2D2A protein function. In summary, the available evidence is currently insufficient to determine the role of this variant in disease. Therefore, it has been classified as a Variant of Uncertain Significance.